The following is an entry in ClinVar:

NM_000440.3(PDE6A):c.1685G>A (p.Arg562Gln)

Gene: PDE6A (phosphodiesterase 6A; minus strand). Cytogenetic location: 5q32.
Variant type: single nucleotide variant.
Coding change: c.1685G>A on transcript NM_000440.3 (MANE Select); coding-DNA position 1685, G replaced by A.
Protein change: p.Arg562Gln; replaces arginine 562 with glutamine.
Molecular consequence: missense variant.
Genome position (GRCh38, 1-based): chr5:149,895,226, C>T on the plus strand (G>A on the coding strand, the complement: PDE6A is on the minus strand). VCF-style: chr5-149895226-C-T. GRCh37 (hg19) VCF-style: chr5-149274789-C-T.
Other names: short protein forms R562Q.
Identifiers: ClinVar variation 961613 (VCV000961613.13), dbSNP rs373537826, ClinGen allele CA3504594.

ClinVar aggregate classification (germline): Likely pathogenic. Review status: criteria provided, multiple submitters, no conflicts (2 of 4 stars). 5 submissions from 5 submitters: Likely pathogenic (5). Last evaluated 2025-01-06.

Conditions:
PDE6A-related disorder. Also called: PDE6A-related condition.
Retinitis pigmentosa 43 (RP43). Identifiers: Orphanet 791, MedGen C3151139, MONDO:0013437, OMIM 613810.

Allele frequency attached by ClinVar (database versions not stated): ExAC 0.00001; gnomAD 0.00002; TOPMed 0.00002; gnomAD exomes 0.00003; ESP Exome Variant Server 0.00008.
gnomAD v4.1: 36 of 1,614,034 alleles (0.0022%); highest among the groups gnomAD compares: South Asian, 0.0077%; no homozygotes.

Submissions (5):

Labcorp Genetics (formerly Invitae), Labcorp
Classification: Likely pathogenic. Last evaluated: 2025-01-06. Review status: criteria provided, single submitter. Criteria: Invitae Variant Classification Sherloc (09022015). Collection method: clinical testing. Allele origin: germline.
Comment: This sequence change replaces arginine, which is basic and polar, with glutamine, which is neutral and polar, at codon 562 of the PDE6A protein (p.Arg562Gln). This variant is present in population databases (rs373537826, gnomAD 0.01%). This missense change has been observed in individuals with retinitis pigmentosa (PMID: 33090715, 36729443, 36819107). ClinVar contains an entry for this variant (Variation ID: 961613). Invitae Evidence Modeling of protein sequence and biophysical properties (such as structural, functional, and spatial information, amino acid conservation, physicochemical variation, residue mobility, and thermodynamic stability) has been performed for this missense variant. However, the output from this modeling did not meet the statistical confidence thresholds required to predict the impact of this variant on PDE6A protein function. This variant disrupts the p.Arg562 amino acid residue in PDE6A. Other variant(s) that disrupt this residue have been determined to be pathogenic (PMID: 26188004, 27551530, 31213501, 31736247, 33057649). This suggests that this residue is clinically significant, and that variants that disrupt this residue are likely to be disease-causing. In summary, the currently available evidence indicates that the variant is pathogenic, but additional data are needed to prove that conclusively. Therefore, this variant has been classified as Likely Pathogenic.

Blueprint Genetics
Classification: Likely pathogenic for PDE6A-related disorders. Last evaluated: 2024-08-27. Review status: criteria provided, single submitter. Criteria: ACMG Guidelines, 2015. Collection method: clinical testing. Allele origin: germline. Affected: yes. Observed: 2 variant alleles.

Fulgent Genetics
Classification: Likely pathogenic for Retinitis pigmentosa 43. Last evaluated: 2024-02-15. Review status: criteria provided, single submitter. Criteria: ACMG Guidelines, 2015. Collection method: clinical testing. Allele origin: germline.

Women's Health and Genetics/Laboratory Corporation of America, LabCorp
Classification: Likely pathogenic for Retinitis pigmentosa 43. Last evaluated: 2023-07-17. Review status: criteria provided, single submitter. Criteria: LabCorp Variant Classification Summary - May 2015. Collection method: clinical testing. Allele origin: germline.
Comment: Variant summary: PDE6A c.1685G>A (p.Arg562Gln) results in a conservative amino acid change located in the HD/PDEase domain (IPR003607) of the encoded protein sequence. Three of five in-silico tools predict a benign effect of the variant on protein function. The variant allele was found at a frequency of 2.8e-05 in 251452 control chromosomes. c.1685G>A has been reported in the literature in both homozygous and compound heterozygous individuals affected with Retinitis pigmentosa 43 (e.g Wang_2018, Liu_2021, Panneman_2023). These data indicate that the variant may be associated with disease. To our knowledge, no experimental evidence demonstrating an impact on protein function has been reported. However, at least one other missense alteration at the same amino acid position (p.Arg562Trp) has been determined to be pathogenic, suggesting the residue is clinically significant. The following publications have been ascertained in the context of the current evaluation (PMID: 33090715, 30029497, 36819107). One submitter has cited clinical-significance assessments for this variant to ClinVar after 2014 and has classified the variant as uncertain significance. Based on the evidence outlined above, the variant was classified as likely pathogenic.

Juno Genomics, Hangzhou Juno Genomics, Inc
Classification: Likely pathogenic for Retinitis pigmentosa 43. Review status: criteria provided, single submitter. Criteria: ACMG Guidelines, 2015. Collection method: clinical testing. Allele origin: germline.
Comment: Absent from controls (or at extremely low frequency if recessive) in Genome Aggregation Database.;Multiple lines of computational evidence support a deleterious effect on the gene or gene product.;For recessive disorders, detected in trans with a pathogenic variant.;Patient's phenotype or family history is highly specific for a disease with a single genetic etiology.;Novel missense change at an amino acid residue where a different missense change determined to be pathogenic has been seen before.

Literature cited by the submitters: PubMed 33090715 (cited by Labcorp Genetics (formerly Invitae), Labcorp and Women's Health and Genetics/Laboratory Corporation of America, LabCorp); PubMed 36729443 (cited by Labcorp Genetics (formerly Invitae), Labcorp); PubMed 36819107 (cited by Labcorp Genetics (formerly Invitae), Labcorp and Women's Health and Genetics/Laboratory Corporation of America, LabCorp); PubMed 26188004 (cited by Labcorp Genetics (formerly Invitae), Labcorp); PubMed 27551530 (cited by Labcorp Genetics (formerly Invitae), Labcorp); PubMed 31213501 (cited by Labcorp Genetics (formerly Invitae), Labcorp); PubMed 31736247 (cited by Labcorp Genetics (formerly Invitae), Labcorp); PubMed 33057649 (cited by Labcorp Genetics (formerly Invitae), Labcorp); PubMed 30029497 (cited by Women's Health and Genetics/Laboratory Corporation of America, LabCorp).